The following is an entry in ClinVar:

ClinVar aggregate classification (germline): Uncertain significance (1 of 4 stars; one submission).

Conditions:
OCA2-related disorder. Also called: OCA2-related condition.

Submission:

PreventionGenetics, part of Exact Sciences
Classification: Uncertain significance for OCA2-related condition. Last evaluated: 2023-01-03. Review status: criteria provided, single submitter. Criteria: ACMG Guidelines, 2015. Collection method: clinical testing. Allele origin: germline.
Comment: The OCA2 c.1313C>A variant is predicted to result in the amino acid substitution p.Ala438Asp. To our knowledge, this variant has not been reported in the literature or in a large population database, indicating this variant is rare. At this time, the clinical significance of this variant is uncertain due to the absence of conclusive functional and genetic evidence.

NM_000275.3(OCA2):c.1313C>A (p.Ala438Asp)

Gene: OCA2 (OCA2 melanosomal transmembrane protein; minus strand). Cytogenetic location: 15q13.1.
Variant type: single nucleotide variant.
Coding change: c.1313C>A on transcript NM_000275.3 (MANE Select); coding-DNA position 1313, C replaced by A.
Protein change: p.Ala438Asp; replaces alanine 438 with aspartic acid.
Molecular consequence: missense variant.
Genome position (GRCh38, 1-based): chr15:27,985,115, G>T on the plus strand (C>A on the coding strand, the complement: OCA2 is on the minus strand). VCF-style: chr15-27985115-G-T. GRCh37 (hg19) VCF-style: chr15-28230261-G-T.
Other names: c.1241C>A, p.Ala414Asp (NM_001300984.2); short protein forms A414D, A438D.
Identifiers: ClinVar variation 2628638 (VCV002628638.1), dbSNP rs2548345327, ClinGen allele CA391360596.